The following is an entry in ClinVar:

ClinVar aggregate classification (germline): Uncertain significance. Review status: criteria provided, multiple submitters, no conflicts (2 of 4 stars). 4 submissions from 4 submitters: Uncertain significance (4). Last evaluated 2025-08-07.

Conditions:
Oligodontia-cancer predisposition syndrome. Also called: TOOTH AGENESIS-COLORECTAL CANCER SYNDROME. Identifiers: Orphanet 300576, MedGen C1837750, MONDO:0012075, OMIM 608615. Disease mechanism: loss of function.
Hereditary cancer-predisposing syndrome. Also called: Neoplastic Syndromes, Hereditary; Tumor predisposition; Hereditary neoplastic syndrome; Hereditary Cancer Syndrome. Identifiers: Orphanet 140162, MedGen C0027672, MeSH D009386, MONDO:0015356.

Allele frequency attached by ClinVar (database versions not stated): gnomAD exomes below 0.00001; gnomAD 0.00001; TOPMed 0.00001.
gnomAD v4.1: 9 of 1,614,028 alleles (0.00056%); highest among the groups gnomAD compares: African/African-American, 0.004%; no homozygotes.

Submissions (4):

Labcorp Genetics (formerly Invitae), Labcorp
Classification: Uncertain significance for Oligodontia-cancer predisposition syndrome. Last evaluated: 2025-08-07. Review status: criteria provided, single submitter. Criteria: Invitae Variant Classification Sherloc (09022015). Collection method: clinical testing. Allele origin: germline.
Comment: This sequence change replaces alanine, which is neutral and non-polar, with valine, which is neutral and non-polar, at codon 561 of the AXIN2 protein (p.Ala561Val). This variant is present in population databases (no rsID available, gnomAD 0.01%). This variant has not been reported in the literature in individuals affected with AXIN2-related conditions. ClinVar contains an entry for this variant (Variation ID: 664984). Invitae Evidence Modeling of protein sequence and biophysical properties (such as structural, functional, and spatial information, amino acid conservation, physicochemical variation, residue mobility, and thermodynamic stability) indicates that this missense variant is not expected to disrupt AXIN2 protein function with a negative predictive value of 80%. In summary, the available evidence is currently insufficient to determine the role of this variant in disease. Therefore, it has been classified as a Variant of Uncertain Significance.

Ambry Genetics
Classification: Uncertain significance for Hereditary cancer-predisposing syndrome. Last evaluated: 2025-07-18. Review status: criteria provided, single submitter. Criteria: Ambry Variant Classification Scheme 2023. Collection method: clinical testing. Allele origin: germline.
Comment: The p.A561V variant (also known as c.1682C>T), located in coding exon 5 of the AXIN2 gene, results from a C to T substitution at nucleotide position 1682. The alanine at codon 561 is replaced by valine, an amino acid with similar properties. This amino acid position is not well conserved in available vertebrate species, and valine is the reference amino acid in other vertebrate species. In addition, this alteration is predicted to be tolerated by in silico analysis. Since supporting evidence is limited at this time, the clinical significance of this alteration remains unclear.

GeneDx
Classification: Uncertain significance. Last evaluated: 2025-02-26. Review status: criteria provided, single submitter. Criteria: GeneDx Variant Classification Process June 2021. Collection method: clinical testing. Allele origin: germline.
Comment: Not observed at significant frequency in large population cohorts (gnomAD); In silico analysis indicates that this missense variant does not alter protein structure/function; Has not been previously published as pathogenic or benign to our knowledge; This variant is associated with the following publications: (PMID: 28539123)

Sema4
Classification: Uncertain significance for Hereditary cancer-predisposing syndrome. Last evaluated: 2021-06-30. Review status: criteria provided, single submitter. Criteria: Sema4 Curation Guidelines. Collection method: curation. Allele origin: germline.
Comment: The AXIN2 c.1682C>T (p.A561V) variant has not been reported in the literature to our knowledge. It was observed in 1/8698 chromosomes of the African/African American subpopulation in the large and broad cohorts of the Genome Aggregation Database (PMID: 32461654). This variant has been reported in ClinVar (Variation ID 664984). In silico tools suggest the impact of the variant on protein function is benign, though these predictions have not been confirmed by functional studies. The evidence is insufficient to meet ACMG/AMP criteria for classifying the variant as benign or pathogenic. Thus, the clinical significance of this variant is currently uncertain.

NM_004655.4(AXIN2):c.1682C>T (p.Ala561Val)

Gene: AXIN2 (axin 2; minus strand). Cytogenetic location: 17q24.1.
Variant type: single nucleotide variant.
Coding change: c.1682C>T on transcript NM_004655.4 (MANE Select); coding-DNA position 1682, C replaced by T.
Protein change: p.Ala561Val; replaces alanine 561 with valine.
Molecular consequence: missense variant.
Genome position (GRCh38, 1-based): chr17:65,537,354, G>A on the plus strand (C>T on the coding strand, the complement: AXIN2 is on the minus strand). VCF-style: chr17-65537354-G-A. GRCh37 (hg19) VCF-style: chr17-63533472-G-A.
Other names: c.1682C>T, p.Ala561Val (NM_001363813.1); c.1682C>T (LRG_296t1); short protein forms A561V.
Identifiers: ClinVar variation 664984 (VCV000664984.16), dbSNP rs1444558946, ClinGen allele CA400676844.
Genomic context (GRCh38, chr17:65,537,354, plus strand): 5'-ACGGGACACTGCGGTCCGCCCGGCACTTACCCAAACTGCTCGCTGGGCATGGTTTCCGGA[G>A]CCTTGGAGTGGCTTTTGCATTTCGAGTAGCAGTAATACTCGCTGCCCCCAGGGCAGAAGC-3'
Protein context (NP_004646.3, residues 551-571): CYSKCKSHSK[Ala561Val]PETMPSEQFG